The following is an entry in ClinVar:

NM_001145308.4(LRTOMT):c.-602G>A

Gene: LRTOMT (leucine rich transmembrane and O-methyltransferase domain containing; plus strand). Cytogenetic location: 11q13.4.
Variant type: single nucleotide variant.
Coding change: c.-602G>A on transcript NM_001145308.4; 602 bases upstream of the start codon, G replaced by A.
Genome position (GRCh38, 1-based): chr11:72,080,605, G>A. VCF-style: chr11-72080605-G-A. GRCh37 (hg19) VCF-style: chr11-71791651-G-A.
Identifiers: ClinVar variation 305975 (VCV000305975.33), dbSNP rs111537544, ClinGen allele CA10640040.

ClinVar aggregate classification (germline): Conflicting classifications of pathogenicity. Review status: criteria provided, conflicting classifications (1 of 4 stars). 2 submissions from 2 submitters: Uncertain significance (1); Benign (1). Last evaluated 2023-04-01.

Allele frequency attached by ClinVar (database versions not stated): gnomAD 0.00551; 1000 Genomes Project 30x 0.00500; 1000 Genomes Project 0.00399; TOPMed 0.00668.

Submissions (2):

CeGaT Center for Human Genetics Tuebingen
Classification: Benign. Last evaluated: 2023-04-01. Review status: criteria provided, single submitter. Criteria: CeGaT Center For Human Genetics Tuebingen Variant Classification Criteria Version 2. Collection method: clinical testing. Allele origin: germline. Affected: yes. Observed: 3 variant alleles.
Comment: LRTOMT: BS1, BS2

Breakthrough Genomics
Classification: Uncertain significance. Review status: criteria provided, single submitter. Criteria: ACMG Guidelines, 2015. Collection method: not provided. Allele origin: germline. Inheritance: Autosomal recessive inheritance. Affected: yes.